The following is an entry in ClinVar:

NM_000234.3(LIG1):c.698C>T (p.Thr233Ile)

Gene: LIG1 (DNA ligase 1; minus strand). Cytogenetic location: 19q13.33.
Variant type: single nucleotide variant.
Coding change: c.698C>T on transcript NM_000234.3 (MANE Select); coding-DNA position 698, C replaced by T.
Protein change: p.Thr233Ile; replaces threonine 233 with isoleucine.
Molecular consequence: missense variant. On other transcripts: non-coding transcript variant (6).
Genome position (GRCh38, 1-based): chr19:48,149,841, G>A on the plus strand (C>T on the coding strand, the complement: LIG1 is on the minus strand). VCF-style: chr19-48149841-G-A. GRCh37 (hg19) VCF-style: chr19-48653098-G-A.
Other names: c.605C>T, p.Thr202Ile (NM_001289063.2); c.494C>T, p.Thr165Ile (NM_001289064.2); c.695C>T, p.Thr232Ile (NM_001320970.2); c.608C>T, p.Thr203Ile (NM_001320971.2); short protein forms T202I, T165I, T203I, T232I, T233I.
Identifiers: ClinVar variation 2090273 (VCV002090273.4), dbSNP rs1275077668, ClinGen allele CA406654572.

ClinVar aggregate classification (germline): Uncertain significance (1 of 4 stars; one submission).

gnomAD v4.1: 2 of 1,613,744 alleles (0.00012%); highest among the groups gnomAD compares: South Asian, 0.0011%; no homozygotes.

Submission:

Labcorp Genetics (formerly Invitae), Labcorp
Classification: Uncertain significance. Last evaluated: 2023-07-17. Review status: criteria provided, single submitter. Criteria: Invitae Variant Classification Sherloc (09022015). Collection method: clinical testing. Allele origin: germline.
Comment: In summary, the available evidence is currently insufficient to determine the role of this variant in disease. Therefore, it has been classified as a Variant of Uncertain Significance. This sequence change replaces threonine, which is neutral and polar, with isoleucine, which is neutral and non-polar, at codon 233 of the LIG1 protein (p.Thr233Ile). This variant is not present in population databases (gnomAD no frequency). This variant has not been reported in the literature in individuals affected with LIG1-related conditions. ClinVar contains an entry for this variant (Variation ID: 2090273). An algorithm developed to predict the effect of missense changes on protein structure and function (PolyPhen-2) suggests that this variant is likely to be tolerated.